The following is an entry in ClinVar:

NM_001042492.3(NF1):c.7517C>A (p.Ala2506Asp)

Gene: NF1 (neurofibromin 1; plus strand). Cytogenetic location: 17q11.2.
Variant type: single nucleotide variant.
Coding change: c.7517C>A on transcript NM_001042492.3 (MANE Select); coding-DNA position 7517, C replaced by A.
Protein change: p.Ala2506Asp; replaces alanine 2506 with aspartic acid.
Molecular consequence: missense variant.
Genome position (GRCh38, 1-based): chr17:31,352,316, C>A. VCF-style: chr17-31352316-C-A. GRCh37 (hg19) VCF-style: chr17-29679334-C-A.
Other names: c.7454C>A, p.Ala2485Asp (NM_000267.4); short protein forms A2506D, A2485D.
Identifiers: ClinVar variation 2752842 (VCV002752842.4), dbSNP rs2151577111, ClinGen allele CA399017558.

ClinVar aggregate classification (germline): Uncertain significance. Review status: criteria provided, multiple submitters, no conflicts (2 of 4 stars). 2 submissions from 2 submitters: Uncertain significance (2). Last evaluated 2023-08-16.

Conditions:
Neurofibromatosis, type 1 (NF1). Also called: VON RECKLINGHAUSEN DISEASE; NEUROFIBROMATOSIS, TYPE I, SOMATIC; Peripheral type neurofibromatosis; Neurofibromatosis, type I. Identifiers: Orphanet 636, MedGen C0027831, MONDO:0018975, OMIM 162200. Disease mechanism: loss of function.

Submissions (2):

Labcorp Genetics (formerly Invitae), Labcorp
Classification: Uncertain significance for Neurofibromatosis, type 1. Last evaluated: 2023-08-16. Review status: criteria provided, single submitter. Criteria: Invitae Variant Classification Sherloc (09022015). Collection method: clinical testing. Allele origin: germline.
Comment: In summary, the available evidence is currently insufficient to determine the role of this variant in disease. Therefore, it has been classified as a Variant of Uncertain Significance. Advanced modeling of protein sequence and biophysical properties (such as structural, functional, and spatial information, amino acid conservation, physicochemical variation, residue mobility, and thermodynamic stability) has been performed at Invitae for this missense variant, however the output from this modeling did not meet the statistical confidence thresholds required to predict the impact of this variant on NF1 protein function. This variant has not been reported in the literature in individuals affected with NF1-related conditions. This variant is not present in population databases (gnomAD no frequency). This sequence change replaces alanine, which is neutral and non-polar, with aspartic acid, which is acidic and polar, at codon 2485 of the NF1 protein (p.Ala2485Asp).

GeneDx
Classification: Uncertain significance. Last evaluated: 2023-06-15. Review status: criteria provided, single submitter. Criteria: GeneDx Variant Classification Process June 2021. Collection method: clinical testing. Allele origin: germline. Affected: yes.
Comment: Not observed at significant frequency in large population cohorts (gnomAD); In silico analysis supports that this missense variant does not alter protein structure/function; Has not been previously published as pathogenic or benign to our knowledge; This variant is associated with the following publications: (PMID: 25486365)